The following is an entry in ClinVar:

ClinVar aggregate classification (germline): Uncertain significance (1 of 4 stars; one submission).

Conditions:
Cardiovascular phenotype. Identifiers: MedGen CN230736.

gnomAD v4.1: 2 of 1,613,472 alleles (0.00012%); highest among the groups gnomAD compares: Non-Finnish European, 0.00017%; no homozygotes.

Submission:

Ambry Genetics
Classification: Uncertain significance for Cardiovascular phenotype. Last evaluated: 2025-11-23. Review status: criteria provided, single submitter. Criteria: Ambry Variant Classification Scheme 2023. Collection method: clinical testing. Allele origin: germline.
Comment: The p.I243V variant (also known as c.727A>G), located in coding exon 4 of the CBL gene, results from an A to G substitution at nucleotide position 727. The isoleucine at codon 243 is replaced by valine, an amino acid with highly similar properties. This amino acid position is conserved. In addition, the in silico prediction for this alteration is inconclusive. Based on the available evidence, the clinical significance of this variant remains unclear.

NM_005188.4(CBL):c.727A>G (p.Ile243Val)

Gene: CBL (Cbl proto-oncogene; plus strand). Cytogenetic location: 11q23.3.
Variant type: single nucleotide variant.
Coding change: c.727A>G on transcript NM_005188.4 (MANE Select); coding-DNA position 727, A replaced by G.
Protein change: p.Ile243Val; replaces isoleucine 243 with valine.
Molecular consequence: missense variant.
Genome position (GRCh38, 1-based): chr11:119,274,004, A>G. VCF-style: chr11-119274004-A-G. GRCh37 (hg19) VCF-style: chr11-119144714-A-G.
Other names: short protein forms I243V.
Identifiers: ClinVar variation 4613883 (VCV004613883.1).